The following is an entry in ClinVar:

ClinVar aggregate classification (germline): Uncertain significance (1 of 4 stars; one submission).

Conditions:
Epidermolysis bullosa simplex 5B, with muscular dystrophy (EBS5B). Also called: EPIDERMOLYSIS BULLOSA SIMPLEX AND LIMB-GIRDLE MUSCULAR DYSTROPHY; Epidermolysis bullosa simplex with muscular dystrophy. Identifiers: Orphanet 257, MedGen C2931072, MONDO:0009181, OMIM 226670.
Epidermolysis bullosa simplex 5C, with pyloric atresia (EBS5C). Also called: PLEC-Related Epidermolysis Bullosa with Pyloric Atresia; Epidermolysis bullosa simplex with pyloric atresia; PLEC1-Related Epidermolysis Bullosa with Pyloric Atresia. Identifiers: Orphanet 158684, MedGen C2677349, MONDO:0012807, OMIM 612138.
Autosomal recessive limb-girdle muscular dystrophy type 2Q (LGMDR17). Also called: MUSCULAR DYSTROPHY, LIMB-GIRDLE, AUTOSOMAL RECESSIVE 17. Identifiers: Orphanet 254361, MedGen C3150989, MONDO:0013390, OMIM 613723.
Epidermolysis bullosa simplex with nail dystrophy (EBS5D). Identifiers: MedGen C4225309, MONDO:0014661, OMIM 616487.
Epidermolysis bullosa simplex, Ogna type (EBS5A). Also called: Pidermolysis bullosa simplex 5A, Ogna type; EPIDERMOLYSIS BULLOSA SIMPLEX 5A, OGNA TYPE. Identifiers: Orphanet 79401, MedGen C0432317, MONDO:0007555, OMIM 131950.

Allele frequency attached by ClinVar (database versions not stated): gnomAD exomes below 0.00001.
gnomAD v4.1: 1 of 1,551,050 alleles (0.000064%); highest among the groups gnomAD compares: South Asian, 0.0012%; no homozygotes.

Submission:

Labcorp Genetics (formerly Invitae), Labcorp
Classification: Uncertain significance for Autosomal recessive limb-girdle muscular dystrophy type 2Q; Epidermolysis bullosa simplex, Ogna type; Epidermolysis bullosa simplex with nail dystrophy; Epidermolysis bullosa simplex 5C, with pyloric atresia; Epidermolysis bullosa simplex 5B, with muscular dystrophy. Last evaluated: 2022-09-20. Review status: criteria provided, single submitter. Criteria: Invitae Variant Classification Sherloc (09022015). Collection method: clinical testing. Allele origin: germline.
Comment: In summary, the available evidence is currently insufficient to determine the role of this variant in disease. Therefore, it has been classified as a Variant of Uncertain Significance. Advanced modeling of protein sequence and biophysical properties (such as structural, functional, and spatial information, amino acid conservation, physicochemical variation, residue mobility, and thermodynamic stability) performed at Invitae indicates that this missense variant is not expected to disrupt PLEC protein function. This variant has not been reported in the literature in individuals affected with PLEC-related conditions. This variant is not present in population databases (gnomAD no frequency). This sequence change replaces glutamine, which is neutral and polar, with arginine, which is basic and polar, at codon 2597 of the PLEC protein (p.Gln2597Arg).

NM_201384.3(PLEC):c.7709A>G (p.Gln2570Arg)

Gene: PLEC (plectin; minus strand). Cytogenetic location: 8q24.3.
Variant type: single nucleotide variant.
Coding change: c.7709A>G on transcript NM_201384.3 (MANE Select); coding-DNA position 7709, A replaced by G.
Protein change: p.Gln2570Arg; replaces glutamine 2570 with arginine.
Molecular consequence: missense variant.
Genome position (GRCh38, 1-based): chr8:143,922,112, T>C on the plus strand (A>G on the coding strand, the complement: PLEC is on the minus strand). VCF-style: chr8-143922112-T-C. GRCh37 (hg19) VCF-style: chr8-144996280-T-C.
Other names: c.7790A>G, p.Gln2597Arg (NM_000445.5); c.4409A>G, p.Gln1470Arg (NM_001410941.1); c.7667A>G, p.Gln2556Arg (NM_201378.4); c.7643A>G, p.Gln2548Arg (NM_201379.3); c.8120A>G, p.Gln2707Arg (NM_201380.4); c.7613A>G, p.Gln2538Arg (NM_201381.3); c.7709A>G, p.Gln2570Arg (NM_201382.4); c.7721A>G, p.Gln2574Arg (NM_201383.3); short protein forms Q2538R, Q2570R, Q2597R, Q2707R, Q2548R, Q2556R, Q1470R, Q2574R.
Identifiers: ClinVar variation 2198133 (VCV002198133.4), dbSNP rs2537552560, ClinGen allele CA372522899.